The following is an entry in ClinVar:

NM_015627.3(LDLRAP1):c.*6C>T

Gene: LDLRAP1 (low density lipoprotein receptor adaptor protein 1; plus strand). Cytogenetic location: 1p36.11.
Variant type: single nucleotide variant.
Coding change: c.*6C>T on transcript NM_015627.3 (MANE Select); 6 bases downstream of the stop codon, C replaced by T.
Molecular consequence: 3 prime UTR variant.
Genome position (GRCh38, 1-based): chr1:25,566,998, C>T. VCF-style: chr1-25566998-C-T. GRCh37 (hg19) VCF-style: chr1-25893489-C-T.
Identifiers: ClinVar variation 2691289 (VCV002691289.3), dbSNP rs373649465, ClinGen allele CA695792.

ClinVar aggregate classification (germline): Conflicting classifications of pathogenicity. Review status: criteria provided, conflicting classifications (1 of 4 stars). 2 submissions from 2 submitters: Uncertain significance (1); Likely benign (1). Last evaluated 2024-12-04.

Conditions:
LDLRAP1-related disorder. Also called: LDLRAP1-related condition.

Allele frequency attached by ClinVar (database versions not stated): TOPMed 0.00004; gnomAD exomes 0.00007; gnomAD 0.00008; ExAC 0.00024; ESP Exome Variant Server 0.00031.
gnomAD v4.1: 127 of 1,613,038 alleles (0.0079%); highest among the groups gnomAD compares: Non-Finnish European, 0.0064%; no homozygotes.

Submissions (2):

PreventionGenetics, part of Exact Sciences
Classification: Likely benign for LDLRAP1-related condition. Last evaluated: 2024-12-04. Review status: criteria provided, single submitter. Criteria: ACMG Guidelines, 2015. Collection method: clinical testing. Allele origin: germline.
Comment: This variant is classified as likely benign based on ACMG/AMP sequence variant interpretation guidelines (Richards et al. 2015 PMID: 25741868, with internal and published modifications).

Women's Health and Genetics/Laboratory Corporation of America, LabCorp
Classification: Uncertain significance. Last evaluated: 2024-10-28. Review status: criteria provided, single submitter. Criteria: LabCorp Variant Classification Summary - May 2015. Collection method: clinical testing. Allele origin: germline.
Comment: Variant summary: LDLRAP1 c.*6C>T is located in the untranslated mRNA region downstream of the termination codon. The variant allele was found at a frequency of 0.00015 in 248384 control chromosomes. This frequency is not significantly higher than estimated for a pathogenic variant in LDLRAP1 causing Familial Hypercholesterolemia, allowing no conclusion about variant significance. To our knowledge, no occurrence of c.*6C>T in individuals affected with Familial Hypercholesterolemia and no experimental evidence demonstrating its impact on protein function have been reported. No submitters have cited clinical-significance assessments for this variant to ClinVar. Based on the evidence outlined above, the variant was classified as uncertain significance.